The following is an entry in ClinVar:

ClinVar aggregate classification (germline): Pathogenic (1 of 4 stars; one submission).

Conditions:
Duchenne muscular dystrophy (DMD). Also called: Duchenne Muscular Dystrophy (DMD); MUSCULAR DYSTROPHY, PSEUDOHYPERTROPHIC PROGRESSIVE, DUCHENNE TYPE. Identifiers: Orphanet 98896, MedGen C0013264, MONDO:0010679, OMIM 310200.

Submission:

Labcorp Genetics (formerly Invitae), Labcorp
Classification: Pathogenic for Duchenne muscular dystrophy. Last evaluated: 2019-02-20. Review status: criteria provided, single submitter. Criteria: Invitae Variant Classification Sherloc (09022015). Collection method: clinical testing. Allele origin: germline.
Comment: This sequence change creates a premature translational stop signal (p.Thr3433Asnfs*6) in the DMD gene. It is expected to result in an absent or disrupted protein product. This variant is not present in population databases (ExAC no frequency). This variant has not been reported in the literature in individuals with DMD-related conditions. Loss-of-function variants in DMD are known to be pathogenic (PMID: 16770791, 25007885). For these reasons, this variant has been classified as Pathogenic.

NM_004006.3(DMD):c.10297dup (p.Thr3433fs)

Gene: DMD (dystrophin; minus strand). Cytogenetic location: Xp21.2.
Variant type: Duplication.
Coding change: c.10297dup on transcript NM_004006.3 (MANE Select); coding-DNA position 10297, one base duplicated (A; older notation c.10297dupA).
Protein change: p.Thr3433fs; shifts the reading frame from threonine 3433.
Molecular consequence: frameshift variant. On other transcripts: intron variant (2).
Genome position (GRCh38, 1-based): chrX:31,173,570, T duplicated on the plus strand (A on the coding strand, the reverse complement: DMD is on the minus strand). VCF-style (leftmost placement, unchanged base first): chrX-31173569-G-GT. GRCh37 (hg19) VCF-style: chrX-31191686-G-GT.
Other names: c.10273dup, p.Thr3425fs (NM_000109.4); c.10285dup, p.Thr3429fs (NM_004009.3); c.9928dup, p.Thr3310fs (NM_004010.3); c.6274dup, p.Thr2092fs (NM_004011.4); c.6265dup, p.Thr2089fs (NM_004012.4); c.2917dup, p.Thr973fs (NM_004013.3, NM_004021.3); c.2110dup, p.Thr704fs (NM_004014.3); c.1093dup, p.Thr365fs (NM_004015.3, NM_004016.3); and 3 more; short protein forms T3429fs, T3433fs, T704fs, T960fs, T2089fs, T3310fs, T3425fs, T973fs.
Identifiers: ClinVar variation 845520 (VCV000845520.1), dbSNP rs2040217313, ClinGen allele CA916081246.